The following is an entry in ClinVar:

NM_025243.4(SLC19A3):c.1475_1482dup (p.Lys495fs)

Gene: SLC19A3 (solute carrier family 19 member 3; minus strand). Cytogenetic location: 2q36.3.
Variant type: Duplication.
Coding change: c.1475_1482dup on transcript NM_025243.4 (MANE Select); coding-DNA positions 1475 to 1482, 8 bases duplicated (TGTCAACA; older notation c.1475_1482dupTGTCAACA).
Protein change: p.Lys495fs; shifts the reading frame from lysine 495.
Molecular consequence: frameshift variant.
Genome position (GRCh38, 1-based): chr2:227,687,406-227,687,413, TGTTGACA duplicated on the plus strand (TGTCAACA on the coding strand, the reverse complement: SLC19A3 is on the minus strand); duplicating any 8 consecutive bases within chr2:227,687,406-227,687,415 gives the same sequence; the c. name uses the placement nearest the transcript's 3' end. VCF-style (leftmost placement, unchanged base first): chr2-227687405-T-TTGTTGACA. GRCh37 (hg19) VCF-style: chr2-228552121-T-TTGTTGACA.
Other names: c.1463_1470dup, p.Lys491fs (NM_001371414.1, NM_001371413.1); c.1475_1482dup, p.Lys495fs (NM_001371411.1, NM_001371412.1); short protein forms K495fs, K491fs.
Identifiers: ClinVar variation 835365 (VCV000835365.10), dbSNP rs1387251145, ClinGen allele CA540306944.
Genomic context (GRCh38, chr2:227,687,405, plus strand): 5'-TCCTTATTATTGCATAACTTTGAAAGCCACTGTTGCGTTTGTTGCGATGAGGTTAGAGTT[T>TTGTTGACA]TGTTGACATGATGATATTACTCTCTTCCTCTGGGTGAGACACATCTGGATTCTCACTTGG-3'

ClinVar aggregate classification (germline): Uncertain significance (1 of 4 stars; one submission).

Conditions:
Biotin-responsive basal ganglia disease (BTBGD). Also called: Thiamine Transporter-2 Deficiency; Thiamine metabolism dysfunction syndrome type 2; Thiamine metabolism dysfunction syndrome 2 (biotin- or thiamine-responsive encephalopathy type 2); thiamine-responsive encephalopathy; THIAMINE METABOLISM DYSFUNCTION SYNDROME 2 (BIOTIN- AND THIAMINE-RESPONSIVE TYPE). Identifiers: Orphanet 199348, Orphanet 65284, MedGen C1843807, MONDO:0011841, OMIM 607483.

Submission:

Labcorp Genetics (formerly Invitae), Labcorp
Classification: Uncertain significance for Biotin-responsive basal ganglia disease. Last evaluated: 2019-11-18. Review status: criteria provided, single submitter. Criteria: Invitae Variant Classification Sherloc (09022015). Collection method: clinical testing. Allele origin: germline.
Comment: In summary, the available evidence is currently insufficient to determine the role of this variant in disease. Therefore, it has been classified as a Variant of Uncertain Significance. This variant has not been reported in the literature in individuals with SLC19A3-related conditions. This variant is not present in population databases (ExAC no frequency). This sequence change results in a frameshift in the SLC19A3 gene (p.Lys495Cysfs*21). While this is not anticipated to result in nonsense mediated decay, it is expected to disrupt the last 2 amino acids of the SLC19A3 protein and extend the protein by an additional 18 amino acids.